The following is an entry in ClinVar:

ClinVar aggregate classification (germline): Uncertain significance (1 of 4 stars; one submission).

Conditions:
NRP2-related disorder. Also called: NRP2-related condition.

gnomAD v4.1: 50 of 1,614,066 alleles (0.0031%); highest among the groups gnomAD compares: Non-Finnish European, 0.0039%; no homozygotes.

Submission:

PreventionGenetics, part of Exact Sciences
Classification: Uncertain significance for NRP2-related condition. Last evaluated: 2026-09-16. Review status: criteria provided, single submitter. Criteria: ACMG Guidelines, 2015. Collection method: clinical testing. Allele origin: germline.
Comment: The NRP2 c.2740G>A variant is predicted to result in the amino acid substitution p.Asp914Asn. To our knowledge, this variant has not been reported in the literature. This variant is reported in 0.0056% of alleles in individuals of Latino descent in gnomAD. At this time, the clinical significance of this variant is uncertain due to the absence of conclusive functional and genetic evidence.

NM_003872.3(NRP2):c.2725G>A (p.Asp909Asn)

Gene: NRP2 (neuropilin 2; plus strand). Cytogenetic location: 2q33.3.
Variant type: single nucleotide variant.
Coding change: c.2725G>A on transcript NM_003872.3 (MANE Select); coding-DNA position 2725, G replaced by A.
Protein change: p.Asp909Asn; replaces aspartic acid 909 with asparagine.
Molecular consequence: missense variant.
Genome position (GRCh38, 1-based): chr2:205,795,002, G>A. VCF-style: chr2-205795002-G-A. GRCh37 (hg19) VCF-style: chr2-206659726-G-A.
Other names: c.2740G>A, p.Asp914Asn (NM_201266.2); c.2674G>A, p.Asp892Asn (NM_201279.2); short protein forms D892N, D914N, D909N.
Identifiers: ClinVar variation 4978786 (VCV004978786.1).